The following is an entry in ClinVar:

NM_024589.3(ROGDI):c.118-10T>A

Gene: ROGDI (rogdi atypical leucine zipper; minus strand). Cytogenetic location: 16p13.3.
Variant type: single nucleotide variant.
Coding change: c.118-10T>A on transcript NM_024589.3 (MANE Select); 10 bases into the intron before coding-DNA position 118, T replaced by A.
Molecular consequence: intron variant.
Genome position (GRCh38, 1-based): chr16:4,801,595, A>T on the plus strand (T>A on the coding strand, the complement: ROGDI is on the minus strand). VCF-style: chr16-4801595-A-T. GRCh37 (hg19) VCF-style: chr16-4851596-A-T.
Identifiers: ClinVar variation 1057068 (VCV001057068.9), dbSNP rs2141912884, ClinGen allele CA2499223530.

ClinVar aggregate classification (germline): Uncertain significance (1 of 4 stars; one submission).

Conditions:
Amelocerebrohypohidrotic syndrome (KTZS). Also called: Kohlschutter's syndrome; EPILEPSY AND YELLOW TEETH; EPILEPSY, DEMENTIA, AND AMELOGENESIS IMPERFECTA; KOHLSCHUTTER SYNDROME. Identifiers: Orphanet 1946, MedGen C0406740, MONDO:0009185, OMIM 226750.

Submission:

Labcorp Genetics (formerly Invitae), Labcorp
Classification: Uncertain significance for Amelocerebrohypohidrotic syndrome. Last evaluated: 2020-07-21. Review status: criteria provided, single submitter. Criteria: Invitae Variant Classification Sherloc (09022015). Collection method: clinical testing. Allele origin: germline.
Comment: In summary, the available evidence is currently insufficient to determine the role of this variant in disease. Therefore, it has been classified as a Variant of Uncertain Significance. Algorithms developed to predict the effect of sequence changes on RNA splicing suggest that this variant may disrupt the consensus splice site, but this prediction has not been confirmed by published transcriptional studies. This variant has not been reported in the literature in individuals with ROGDI-related conditions. This variant is not present in population databases (ExAC no frequency). This sequence change falls in intron 2 of the ROGDI gene. It does not directly change the encoded amino acid sequence of the ROGDI protein.